The following is an entry in ClinVar:

NM_001429.4(EP300):c.65C>T (p.Ala22Val)

Genes: EP300 (E1A binding protein p300; plus strand), LOC130067530 (ATAC-STARR-seq lymphoblastoid active region 19106; plus strand). Cytogenetic location: 22q13.2.
Variant type: single nucleotide variant.
Coding change: c.65C>T on transcript NM_001429.4 (MANE Select); coding-DNA position 65, C replaced by T.
Protein change: p.Ala22Val; replaces alanine 22 with valine.
Molecular consequence: missense variant.
Genome position (GRCh38, 1-based): chr22:41,093,069, C>T. VCF-style: chr22-41093069-C-T. GRCh37 (hg19) VCF-style: chr22-41489073-C-T.
Other names: c.65C>T, p.Ala22Val (NM_001362843.2); short protein forms A22V.
Identifiers: ClinVar variation 3355234 (VCV003355234.1).
Genomic context (GRCh38, chr22:41,093,069, plus strand): 5'-CCGAGAATGTGGTGGAACCGGGGCCGCCTTCAGCCAAGCGGCCTAAACTCTCATCTCCGG[C>T]CCTCTCGGCGTCCGCCAGCGATGGCACAGGTTAGTTTCGGCAGCCCCGGCCTTCCACGTT-3'
Protein context (NP_001420.2, residues 12-32): SAKRPKLSSP[Ala22Val]LSASASDGTD

ClinVar aggregate classification (germline): Uncertain significance (0 of 4 stars; one submission).

Conditions:
EP300-related disorder. Also called: EP300-related disorders; EP300-related condition.

gnomAD v4.1: 44 of 1,614,034 alleles (0.0027%); highest among the groups gnomAD compares: Non-Finnish European, 0.0036%; no homozygotes.

Submission:

PreventionGenetics, part of Exact Sciences
Classification: Uncertain significance for EP300-related condition. Last evaluated: 2024-06-05. Review status: no assertion criteria provided. Collection method: clinical testing. Allele origin: germline.
Comment: The EP300 c.65C>T variant is predicted to result in the amino acid substitution p.Ala22Val. To our knowledge, this variant has not been reported in the literature. This variant is reported in 0.0040% of alleles in individuals of African descent in gnomAD. At this time, the clinical significance of this variant is uncertain due to the absence of conclusive functional and genetic evidence.